The following is an entry in ClinVar:

ClinVar aggregate classification (germline): Likely pathogenic. Review status: criteria provided, single submitter (1 of 4 stars). 2 submissions from 2 submitters: Likely pathogenic (1). 1 of the submissions does not count toward it. Last evaluated 2021-10-02.

Conditions:
Cutis laxa, autosomal recessive, type 2E. Also called: CUTIS LAXA, AUTOSOMAL RECESSIVE, TYPE IIE. Identifiers: MedGen C5561944, MONDO:0030337, OMIM 619451.

Submissions (2):

3billion
Classification: Likely pathogenic for Cutis laxa, autosomal recessive, type 2E. Last evaluated: 2021-10-02. Review status: criteria provided, single submitter. Criteria: ACMG Guidelines, 2015. Collection method: clinical testing. Allele origin: unknown. Affected: yes. Observed: 1 heterozygote.
Comment: Stop-gained (nonsense): predicted to result in a loss or disruption of normal protein function through nonsense-mediated decay (NMD) or protein truncation. Multiple pathogenic variants are reported downstream of the variant. It is not observed in the gnomAD v2.1.1 dataset (PM2). Therefore, this variant is classified as likely pathogenic according to the recommendation of ACMG/AMP guideline.

OMIM
Classification: Pathogenic for CUTIS LAXA, AUTOSOMAL RECESSIVE, TYPE IIE. Last evaluated: 2025-10-13. Review status: no assertion criteria provided. Collection method: literature only. Allele origin: germline. Not counted in ClinVar's aggregate classification.

Literature cited by the submitters: Pottie, L., Adamo, C. S., Beyens, A., Lutke, S., Tapaneeyaphan, P., De Clercq, A., Salmon, P. L., De Rycke, R., Gezdirici, A., Gulec, E. Y., Khan, N., Urquhart, J. E., and 17 others Bi-allelic premature truncating variants in LTBP1 cause cutis laxa syndrome. Am. J. Hum. Genet. 108: 1095-1114, 2021. Note: Erratum: Am. J. Hum. Genet. 108: 2386-2388, 2021. (cited by OMIM).

NM_206943.4(LTBP1):c.1342C>T (p.Gln448Ter)

Gene: LTBP1 (latent transforming growth factor beta binding protein 1; plus strand). Cytogenetic location: 2p22.3.
Variant type: single nucleotide variant.
Coding change: c.1342C>T on transcript NM_206943.4 (MANE Select); coding-DNA position 1342, C replaced by T.
Protein change: p.Gln448Ter; replaces glutamine 448 with a stop codon.
Molecular consequence: nonsense.
Genome position (GRCh38, 1-based): chr2:33,186,996, C>T. VCF-style: chr2-33186996-C-T. GRCh37 (hg19) VCF-style: chr2-33412063-C-T.
Other names: c.1342C>T (NM_206943.2); c.364C>T, p.Gln122Ter (NM_000627.4, NM_001166264.2, NM_001166265.2 and 1 more transcripts); short protein forms Q448*, Q122*.
Identifiers: ClinVar variation 1184252 (VCV001184252.5), dbSNP rs1441358067, ClinGen allele CA346552439.